The following is an entry in ClinVar:

ClinVar aggregate classification (germline): Uncertain significance (1 of 4 stars; one submission).

Conditions:
Long QT syndrome (LQTS). Identifiers: MedGen C0023976, MeSH D008133, MONDO:0002442. Disease mechanism: loss of function. Inheritance: Various modes of inheritance.

Submission:

All of Us Research Program, National Institutes of Health
Classification: Uncertain significance for Long QT syndrome. Last evaluated: 2023-12-01. Review status: criteria provided, single submitter. Criteria: ACMG Guidelines, 2015. Collection method: clinical testing. Allele origin: germline. Inheritance: Autosomal dominant inheritance. Observed: 1 variant allele, 1 heterozygote.
Comment: This study involves interpretation of variants in research participants for the purpose of population health screening. Participant phenotype was not available at the time of variant classification. Additional details can be found in publication PMID: 35346344, PMCID: PMC8962531

NM_000238.4(KCNH2):c.2198A>C (p.Asn733Thr)

Gene: KCNH2 (potassium voltage-gated channel subfamily H member 2; minus strand). Cytogenetic location: 7q36.1.
Variant type: single nucleotide variant.
Coding change: c.2198A>C on transcript NM_000238.4 (MANE Select); coding-DNA position 2198, A replaced by C.
Protein change: p.Asn733Thr; replaces asparagine 733 with threonine.
Molecular consequence: missense variant. On other transcripts: non-coding transcript variant (2).
Genome position (GRCh38, 1-based): chr7:150,950,368, T>G on the plus strand (A>C on the coding strand, the complement: KCNH2 is on the minus strand). VCF-style: chr7-150950368-T-G. GRCh37 (hg19) VCF-style: chr7-150647456-T-G.
Other names: c.1178A>C, p.Asn393Thr (NM_001204798.2, NM_172057.3); c.1910A>C, p.Asn637Thr (NM_001406753.1, NM_001406756.1); c.2021A>C, p.Asn674Thr (NM_001406755.1); c.1898A>C, p.Asn633Thr (NM_001406757.1); c.2198A>C, p.Asn733Thr (NM_172056.3); short protein forms N393T, N633T, N637T, N674T, N733T.
Identifiers: ClinVar variation 3074189 (VCV003074189.1), dbSNP rs2486026835, ClinGen allele CA369856591.